The following is an entry in ClinVar:

NM_018419.3(SOX18):c.894G>A (p.Ser298=)

Gene: SOX18 (SRY-box transcription factor 18; minus strand). Cytogenetic location: 20q13.33.
Variant type: single nucleotide variant.
Coding change: c.894G>A on transcript NM_018419.3 (MANE Select); coding-DNA position 894, G replaced by A.
Protein change: p.Ser298=; no amino-acid change (serine 298 retained).
Molecular consequence: synonymous variant.
Genome position (GRCh38, 1-based): chr20:64,048,427, C>T on the plus strand (G>A on the coding strand, the complement: SOX18 is on the minus strand). VCF-style: chr20-64048427-C-T. GRCh37 (hg19) VCF-style: chr20-62679780-C-T.
Identifiers: ClinVar variation 3036687 (VCV003036687.2), dbSNP rs1266650535, ClinGen allele CA511666760.
Genomic context (GRCh38, chr20:64,048,427, plus strand): 5'-CAGATCGGCGGCGGGCCCCAGCGGCTCGGCGCTCTCCAGCGGCGGGGCCTCGGGCGGCGG[C>T]GACAGCGGGCCGGGGTACGGGCCGGGCGTGCCCAGGGTGCCGTAGTACAGGCCAGCGAGC-3'
Protein context (NP_060889.1, residues 288-308): GTPGPYPGPL[Ser298=]PPPEAPPLES

ClinVar aggregate classification (germline): Likely benign (0 of 4 stars; one submission).

Conditions:
SOX18-related disorder. Also called: SOX18-related condition.

Submission:

PreventionGenetics, part of Exact Sciences
Classification: Likely benign for SOX18-related condition. Last evaluated: 2020-07-28. Review status: no assertion criteria provided. Collection method: clinical testing. Allele origin: germline.
Comment: This variant is classified as likely benign based on ACMG/AMP sequence variant interpretation guidelines (Richards et al. 2015 PMID: 25741868, with internal and published modifications).